The following is an entry in ClinVar:

ClinVar aggregate classification (germline): Uncertain significance. Review status: criteria provided, multiple submitters, no conflicts (2 of 4 stars). 2 submissions from 2 submitters: Uncertain significance (2). Last evaluated 2026-01-12.

Conditions:
Inborn genetic diseases. Identifiers: MedGen C0950123, MeSH D030342.

Allele frequency attached by ClinVar (database versions not stated): TOPMed below 0.00001; ExAC 0.00001; gnomAD 0.00001; gnomAD exomes 0.00003.
gnomAD v4.1: 51 of 1,614,036 alleles (0.0032%); highest among the groups gnomAD compares: Non-Finnish European, 0.0038%; no homozygotes.

Submissions (2):

Labcorp Genetics (formerly Invitae), Labcorp
Classification: Uncertain significance. Last evaluated: 2026-01-12. Review status: criteria provided, single submitter. Criteria: Invitae Variant Classification Sherloc (09022015). Collection method: clinical testing. Allele origin: germline.
Comment: This sequence change replaces tryptophan, which is neutral and slightly polar, with cysteine, which is neutral and slightly polar, at codon 163 of the EMC1 protein (p.Trp163Cys). This variant is not present in population databases (gnomAD no frequency). This variant has not been reported in the literature in individuals affected with EMC1-related conditions. ClinVar contains an entry for this variant (Variation ID: 1374583). Invitae Evidence Modeling of protein sequence and biophysical properties (such as structural, functional, and spatial information, amino acid conservation, physicochemical variation, residue mobility, and thermodynamic stability) indicates that this missense variant is expected to disrupt EMC1 protein function with a positive predictive value of 80%. In summary, the available evidence is currently insufficient to determine the role of this variant in disease. Therefore, it has been classified as a Variant of Uncertain Significance.

Ambry Genetics
Classification: Uncertain significance for Inborn genetic diseases. Last evaluated: 2025-08-04. Review status: criteria provided, single submitter. Criteria: Ambry Variant Classification Scheme 2023. Collection method: clinical testing. Allele origin: germline.

NM_015047.3(EMC1):c.489G>T (p.Trp163Cys)

Gene: EMC1 (ER membrane protein complex subunit 1; minus strand). Cytogenetic location: 1p36.13.
Variant type: single nucleotide variant.
Coding change: c.489G>T on transcript NM_015047.3 (MANE Select); coding-DNA position 489, G replaced by T.
Protein change: p.Trp163Cys; replaces tryptophan 163 with cysteine.
Molecular consequence: missense variant.
Genome position (GRCh38, 1-based): chr1:19,242,365, C>A on the plus strand (G>T on the coding strand, the complement: EMC1 is on the minus strand). VCF-style: chr1-19242365-C-A. GRCh37 (hg19) VCF-style: chr1-19568859-C-A.
Other names: c.489G>T, p.Trp163Cys (NM_001271427.2, NM_001271428.2, NM_001375820.1 and 1 more transcripts); c.423G>T, p.Trp141Cys (NM_001271429.2); c.489G>T (NM_015047.1); short protein forms W141C, W163C.
Identifiers: ClinVar variation 1374583 (VCV001374583.9), dbSNP rs765713481, ClinGen allele CA652898.